The following is an entry in ClinVar:

ClinVar aggregate classification (germline): Pathogenic/Likely pathogenic. Review status: criteria provided, multiple submitters, no conflicts (2 of 4 stars). 3 submissions from 3 submitters: Pathogenic (1); Likely pathogenic (1). 1 of the submissions does not count toward it. Last evaluated 2024-07-19.

Conditions:
Arthrogryposis multiplex congenita 6. Identifiers: MedGen C5543431, MONDO:0030281, OMIM 619334.
Nemaline myopathy 2 (NEM2). Also called: Nemaline myopathy 2, autosomal recessive. Identifiers: MedGen C1850569, MONDO:0009725, OMIM 256030.

Allele frequency attached by ClinVar (database versions not stated): gnomAD exomes below 0.00001; TOPMed 0.00002.
gnomAD v4.1: 2 of 1,609,604 alleles (0.00012%); highest among the groups gnomAD compares: East Asian, 0.0022%; no homozygotes.

Submissions (3):

Labcorp Genetics (formerly Invitae), Labcorp
Classification: Pathogenic for Nemaline myopathy 2. Last evaluated: 2024-07-19. Review status: criteria provided, single submitter. Criteria: Invitae Variant Classification Sherloc (09022015). Collection method: clinical testing. Allele origin: germline.
Comment: This sequence change affects a donor splice site in intron 65 of the NEB gene. It is expected to disrupt RNA splicing. Variants that disrupt the donor or acceptor splice site typically lead to a loss of protein function (PMID: 16199547), and loss-of-function variants in NEB are known to be pathogenic (PMID: 25205138). This variant is present in population databases (no rsID available, gnomAD 0.0009%). Disruption of this splice site has been observed in individual(s) with autosomal recessive nemaline myopathy (PMID: 25205138). In at least one individual the data is consistent with being in trans (on the opposite chromosome) from a pathogenic variant. ClinVar contains an entry for this variant (Variation ID: 553647). Algorithms developed to predict the effect of sequence changes on RNA splicing suggest that this variant may disrupt the consensus splice site. For these reasons, this variant has been classified as Pathogenic.

Baylor Genetics
Classification: Likely pathogenic for Arthrogryposis multiplex congenita 6. Last evaluated: 2022-10-23. Review status: criteria provided, single submitter. Criteria: ACMG Guidelines, 2015. Collection method: clinical testing. Allele origin: unknown.

Counsyl
Classification: Likely pathogenic for Nemaline myopathy 2. Last evaluated: 2017-09-01. Review status: no assertion criteria provided. Collection method: clinical testing. Allele origin: unknown. Not counted in ClinVar's aggregate classification.

Literature cited by the submitters: PubMed 16199547 (cited by Labcorp Genetics (formerly Invitae), Labcorp); PubMed 25205138 (cited by Labcorp Genetics (formerly Invitae), Labcorp).

NM_001164508.2(NEB):c.9414+1G>A

Gene: NEB (nebulin; minus strand). Cytogenetic location: 2q23.3.
Variant type: single nucleotide variant.
Coding change: c.9414+1G>A on transcript NM_001164508.2 (MANE Select); the canonical splice donor site of the intron after coding-DNA position 9414, G replaced by A.
Molecular consequence: splice donor variant. On other transcripts: intron variant (1).
Genome position (GRCh38, 1-based): chr2:151,633,653, C>T on the plus strand (G>A on the coding strand, the complement: NEB is on the minus strand). VCF-style: chr2-151633653-C-T. GRCh37 (hg19) VCF-style: chr2-152490167-C-T.
Other names: c.8854-2475G>A (NM_004543.5); c.9414+1G>A (NM_001164507.2, NM_001271208.2).
Identifiers: ClinVar variation 553647 (VCV000553647.8), dbSNP rs1255445731, ClinGen allele CA348802536.